The following is an entry in ClinVar:

ClinVar aggregate classification (germline): Uncertain significance (1 of 4 stars; one submission).

Conditions:
Ectodermal dysplasia 10A, hypohidrotic/hair/nail type, autosomal dominant (ECTD10A). Also called: Ectodermal Dysplasia 3, Anhidrotic. Identifiers: Orphanet 1810, Orphanet 238468, MedGen C3888065, MONDO:0007509, OMIM 129490.
Autosomal recessive hypohidrotic ectodermal dysplasia syndrome. Also called: Autosomal recessive hypohidrotic ectodermal dysplasia. Identifiers: Orphanet 248, MedGen C0406702, MONDO:0016619.

Allele frequency attached by ClinVar (database versions not stated): gnomAD exomes below 0.00001; ExAC 0.00003; TOPMed 0.00004; gnomAD 0.00005; 1000 Genomes Project 0.00020; 1000 Genomes Project 30x 0.00031.
gnomAD v4.1: 11 of 1,614,008 alleles (0.00068%); highest among the groups gnomAD compares: African/African-American, 0.015%; no homozygotes.

Submission:

Labcorp Genetics (formerly Invitae), Labcorp
Classification: Uncertain significance for Ectodermal dysplasia 10A, hypohidrotic/hair/nail type, autosomal dominant; Autosomal recessive hypohidrotic ectodermal dysplasia syndrome. Last evaluated: 2022-11-11. Review status: criteria provided, single submitter. Criteria: Invitae Variant Classification Sherloc (09022015). Collection method: clinical testing. Allele origin: germline.
Comment: In summary, the available evidence is currently insufficient to determine the role of this variant in disease. Therefore, it has been classified as a Variant of Uncertain Significance. Advanced modeling of protein sequence and biophysical properties (such as structural, functional, and spatial information, amino acid conservation, physicochemical variation, residue mobility, and thermodynamic stability) has been performed at Invitae for this missense variant, however the output from this modeling did not meet the statistical confidence thresholds required to predict the impact of this variant on EDAR protein function. This variant has not been reported in the literature in individuals affected with EDAR-related conditions. This variant is present in population databases (rs41280579, gnomAD 0.03%). This sequence change replaces valine, which is neutral and non-polar, with methionine, which is neutral and non-polar, at codon 416 of the EDAR protein (p.Val416Met).

NM_022336.4(EDAR):c.1246G>A (p.Val416Met)

Genes: EDAR (ectodysplasin A receptor; minus strand), RANBP2 (RAN binding protein 2; plus strand). Cytogenetic location: 2q13.
Variant type: single nucleotide variant.
Coding change: c.1246G>A on transcript NM_022336.4 (MANE Select); coding-DNA position 1246, G replaced by A.
Protein change: p.Val416Met; replaces valine 416 with methionine.
Molecular consequence: missense variant.
Genome position (GRCh38, 1-based): chr2:108,897,008, C>T on the plus strand (G>A on the coding strand, the complement: EDAR is on the minus strand). VCF-style: chr2-108897008-C-T. GRCh37 (hg19) VCF-style: chr2-109513464-C-T.
Other names: short protein forms V416M.
Identifiers: ClinVar variation 2927109 (VCV002927109.3), dbSNP rs41280579, ClinGen allele CA1824797.